The following is an entry in ClinVar:

NM_001369.3(DNAH5):c.9277dup (p.Glu3093fs)

Gene: DNAH5 (dynein axonemal heavy chain 5; minus strand). Cytogenetic location: 5p15.2.
Variant type: Duplication.
Coding change: c.9277dup on transcript NM_001369.3 (MANE Select); coding-DNA position 9277, one base duplicated (G; older notation c.9277dupG).
Protein change: p.Glu3093fs; shifts the reading frame from glutamic acid 3093.
Molecular consequence: frameshift variant.
Genome position (GRCh38, 1-based): chr5:13,776,535, C duplicated on the plus strand (G on the coding strand, the reverse complement: DNAH5 is on the minus strand); the first of 5 consecutive C bases (chr5:13,776,535-13,776,539); duplicating any one gives the same sequence. VCF-style (leftmost placement, unchanged base first): chr5-13776534-T-TC. GRCh37 (hg19) VCF-style: chr5-13776643-T-TC.
Other names: short protein forms E3093fs.
Identifiers: ClinVar variation 5013150 (VCV005013150.1).

ClinVar aggregate classification (germline): Pathogenic (1 of 4 stars; one submission).

Conditions:
Primary ciliary dyskinesia 3. Identifiers: Orphanet 244, MedGen C1837618, MONDO:0012085, OMIM 608644.

Submission:

Myriad Genetics, Inc.
Classification: Pathogenic for Primary ciliary dyskinesia 3. Last evaluated: 2024-06-04. Review status: criteria provided, single submitter. Criteria: Myriad Autosomal Dominant, Autosomal Recessive and X-Linked Classification Criteria (2023). Collection method: clinical testing. Allele origin: unknown.
Comment: NM_001369.2(DNAH5):c.9277dupG(E3093Gfs*20) is expected to be pathogenic in the context of primary ciliary dyskinesia, DNAH5-related. This variant is predicted to lead to an abnormal or absent protein product due to the creation of a premature termination codon in DNAH5, a gene where loss-of-function variants are known to be pathogenic. Please note: this variant was assessed in the context of healthy population screening.